The following is an entry in ClinVar:

ClinVar aggregate classification (germline): Uncertain significance. Review status: criteria provided, single submitter (1 of 4 stars). 2 submissions from 2 submitters: Uncertain significance (1). 1 of the submissions does not count toward it. Last evaluated 2016-09-20.

Conditions:
BCL2L2-PABPN1-related disorder. Also called: BCL2L2-PABPN1-related condition.

Allele frequency attached by ClinVar (database versions not stated): gnomAD 0.00009 and 0.00011; TOPMed 0.00010.
gnomAD v4.1: 27 of 1,614,090 alleles (0.0017%); highest among the groups gnomAD compares: African/African-American, 0.032%; no homozygotes.

Submissions (2):

Eurofins Ntd Llc (ga)
Classification: Uncertain significance. Last evaluated: 2016-09-20. Review status: criteria provided, single submitter. Criteria: EGL Classification Definitions 2015. Collection method: clinical testing. Allele origin: germline. Observed: 1 variant allele, 1 heterozygote.

PreventionGenetics, part of Exact Sciences
Classification: Likely benign for BCL2L2-PABPN1-related condition. Last evaluated: 2019-05-24. Review status: no assertion criteria provided. Collection method: clinical testing. Allele origin: germline. Not counted in ClinVar's aggregate classification.
Comment: This variant is classified as likely benign based on ACMG/AMP sequence variant interpretation guidelines (Richards et al. 2015 PMID: 25741868, with internal and published modifications).

NM_004643.4(PABPN1):c.787C>A (p.Arg263=)

Genes: BCL2L2-PABPN1 (BCL2L2-PABPN1 readthrough; plus strand), PABPN1 (poly(A) binding protein nuclear 1; plus strand). Cytogenetic location: 14q11.2.
Variant type: single nucleotide variant.
Coding change: c.787C>A on transcript NM_004643.4 (MANE Select); coding-DNA position 787, C replaced by A.
Protein change: p.Arg263=; no amino-acid change (arginine 263 retained).
Molecular consequence: synonymous variant.
Genome position (GRCh38, 1-based): chr14:23,324,195, C>A. VCF-style: chr14-23324195-C-A. GRCh37 (hg19) VCF-style: chr14-23793404-C-A.
Other names: c.868C>A, p.Arg290= (NM_001199864.3, NM_001387345.1, NM_001387346.1); c.985C>A, p.Arg329= (NM_001387340.1); c.964C>A, p.Arg322= (NM_001387341.1, NM_001387342.1, NM_001387343.1 and 1 more transcripts); c.787C>A, p.Arg263= (NM_001360551.3); c.403C>A, p.Arg135= (NM_001360552.2).
Identifiers: ClinVar variation 291058 (VCV000291058.7), dbSNP rs886044639, ClinGen allele CA10607004.